The following is an entry in ClinVar:

NM_000038.6(APC):c.3596A>G (p.Lys1199Arg)

Gene: APC (APC regulator of Wnt signaling pathway; plus strand). Cytogenetic location: 5q22.2.
Variant type: single nucleotide variant.
Coding change: c.3596A>G on transcript NM_000038.6 (MANE Select); coding-DNA position 3596, A replaced by G.
Protein change: p.Lys1199Arg; replaces lysine 1199 with arginine.
Molecular consequence: missense variant.
Genome position (GRCh38, 1-based): chr5:112,839,190, A>G. VCF-style: chr5-112839190-A-G. GRCh37 (hg19) VCF-style: chr5-112174887-A-G.
Other names: c.3596A>G, p.Lys1199Arg (NM_001127510.3, NM_001354895.2); c.3542A>G, p.Lys1181Arg (NM_001127511.3); c.3650A>G, p.Lys1217Arg (NM_001354896.2); c.3626A>G, p.Lys1209Arg (NM_001354897.2); c.3521A>G, p.Lys1174Arg (NM_001354898.2); c.3512A>G, p.Lys1171Arg (NM_001354899.2); c.3473A>G, p.Lys1158Arg (NM_001354900.2); c.3419A>G, p.Lys1140Arg (NM_001354901.2); and 5 more; short protein forms K1039R, K1073R, K1098R, K1108R, K1140R, K1158R, K1171R, K1174R.
Identifiers: ClinVar variation 1172157 (VCV001172157.4), dbSNP rs1765466497, ClinGen allele CA16029232.

ClinVar aggregate classification (germline): Uncertain significance. Review status: criteria provided, multiple submitters, no conflicts (2 of 4 stars). 2 submissions from 2 submitters: Uncertain significance (2). Last evaluated 2023-07-13.

Conditions:
Hereditary cancer-predisposing syndrome. Also called: Tumor predisposition; Hereditary neoplastic syndrome; Hereditary Cancer Syndrome; Neoplastic Syndromes, Hereditary. Identifiers: Orphanet 140162, MedGen C0027672, MeSH D009386, MONDO:0015356.

gnomAD v4.1: 1 of 1,614,172 alleles (0.000062%); no homozygotes.

Submissions (2):

Ambry Genetics
Classification: Uncertain significance for Hereditary cancer-predisposing syndrome. Last evaluated: 2023-07-13. Review status: criteria provided, single submitter. Criteria: Ambry Variant Classification Scheme 2023. Collection method: clinical testing. Allele origin: germline.
Comment: The p.K1199R variant (also known as c.3596A>G), located in coding exon 15 of the APC gene, results from an A to G substitution at nucleotide position 3596. The lysine at codon 1199 is replaced by arginine, an amino acid with highly similar properties. This amino acid position is conserved. In addition, in silico predictors for this gene do not accurately predict pathogenicity. Since supporting evidence is limited at this time, the clinical significance of this alteration remains unclear.

Color Diagnostics, LLC DBA Color Health
Classification: Uncertain significance for Hereditary cancer-predisposing syndrome. Last evaluated: 2020-06-22. Review status: criteria provided, single submitter. Criteria: ACMG Guidelines, 2015. Collection method: clinical testing. Allele origin: germline.
Comment: This missense variant replaces lysine with arginine at codon 1199 of the APC protein. Computational prediction suggests that this variant may not impact protein structure and function (internally defined REVEL score threshold <= 0.5, PMID: 27666373). To our knowledge, functional studies have not been reported for this variant. This variant has not been reported in individuals affected with hereditary cancer in the literature. This variant has not been identified in the general population by the Genome Aggregation Database (gnomAD). The available evidence is insufficient to determine the role of this variant in disease conclusively. Therefore, this variant is classified as a Variant of Uncertain Significance.